The following is an entry in ClinVar:

ClinVar aggregate classification (germline): Uncertain significance (1 of 4 stars; one submission).

Conditions:
Cystic fibrosis (CF). Also called: MUCOVISCIDOSIS. Identifiers: Orphanet 586, MedGen C0010674, MONDO:0009061, OMIM 219700. Disease mechanism: loss of function.

Submission:

Ambry Genetics
Classification: Uncertain significance for Cystic fibrosis. Last evaluated: 2025-12-04. Review status: criteria provided, single submitter. Criteria: Ambry Variant Classification Scheme 2023. Collection method: clinical testing. Allele origin: germline.
Comment: The p.I1139M variant (also known as c.3417C>G), located in coding exon 21 of the CFTR gene, results from a C to G substitution at nucleotide position 3417. The isoleucine at codon 1139 is replaced by methionine, an amino acid with highly similar properties. This amino acid position is conserved. In addition, this alteration is predicted to be deleterious by in silico analysis. Based on the available evidence, the clinical significance of this variant remains unclear.

NM_000492.4(CFTR):c.3417C>G (p.Ile1139Met)

Genes: CFTR (CF transmembrane conductance regulator; plus strand), CFTR-AS2 (CFTR antisense RNA 2; minus strand). Cytogenetic location: 7q31.2.
Variant type: single nucleotide variant.
Coding change: c.3417C>G on transcript NM_000492.4 (MANE Select); coding-DNA position 3417, C replaced by G.
Protein change: p.Ile1139Met; replaces isoleucine 1139 with methionine.
Molecular consequence: missense variant.
Genome position (GRCh38, 1-based): chr7:117,614,662, C>G. VCF-style: chr7-117614662-C-G. GRCh37 (hg19) VCF-style: chr7-117254716-C-G.
Other names: short protein forms I1139M.
Identifiers: ClinVar variation 4651244 (VCV004651244.1).